The following is an entry in ClinVar:

ClinVar aggregate classification (germline): Pathogenic. Review status: criteria provided, multiple submitters, no conflicts (2 of 4 stars). 2 submissions from 2 submitters: Pathogenic (2). Last evaluated 2023-11-19.

Conditions:
Trichohepatoenteric syndrome 1 (THES1). Also called: DIARRHEA, FATAL INFANTILE, WITH TRICHORRHEXIS NODOSA. Identifiers: Orphanet 84064, MedGen C4551982, MONDO:0024541, OMIM 222470.

Allele frequency attached by ClinVar (database versions not stated): TOPMed below 0.00001; ExAC 0.00002.
gnomAD v4.1: 2 of 1,614,086 alleles (0.00012%); highest among the groups gnomAD compares: East Asian, 0.0045%; no homozygotes.

Submissions (2):

Labcorp Genetics (formerly Invitae), Labcorp
Classification: Pathogenic. Last evaluated: 2023-11-19. Review status: criteria provided, single submitter. Criteria: Invitae Variant Classification Sherloc (09022015). Collection method: clinical testing. Allele origin: germline.
Comment: This sequence change creates a premature translational stop signal (p.Lys392*) in the TTC37 gene. It is expected to result in an absent or disrupted protein product. Loss-of-function variants in TTC37 are known to be pathogenic (PMID: 20176027, 21120949). This variant is present in population databases (rs760215220, gnomAD 0.02%). This variant has not been reported in the literature in individuals affected with TTC37-related conditions. For these reasons, this variant has been classified as Pathogenic.

Juno Genomics, Hangzhou Juno Genomics, Inc
Classification: Pathogenic for Trichohepatoenteric syndrome 1. Review status: criteria provided, single submitter. Criteria: ACMG Guidelines, 2015. Collection method: clinical testing. Allele origin: germline.
Comment: Absent from controls (or at extremely low frequency if recessive) in Genome Aggregation Database.;Null variant in a gene where loss of function (LOF) is a known mechanism of disease.;For recessive disorders, detected in trans with a pathogenic variant.

Literature cited by the submitters: PubMed 20176027 (cited by Labcorp Genetics (formerly Invitae), Labcorp); PubMed 21120949 (cited by Labcorp Genetics (formerly Invitae), Labcorp).

NM_014639.4(SKIC3):c.1174A>T (p.Lys392Ter)

Gene: SKIC3 (SKI3 subunit of superkiller complex; minus strand). Cytogenetic location: 5q15.
Variant type: single nucleotide variant.
Coding change: c.1174A>T on transcript NM_014639.4 (MANE Select); coding-DNA position 1174, A replaced by T.
Protein change: p.Lys392Ter; replaces lysine 392 with a stop codon.
Molecular consequence: nonsense.
Genome position (GRCh38, 1-based): chr5:95,525,634, T>A on the plus strand (A>T on the coding strand, the complement: SKIC3 is on the minus strand). VCF-style: chr5-95525634-T-A. GRCh37 (hg19) VCF-style: chr5-94861338-T-A.
Other names: short protein forms K392*.
Identifiers: ClinVar variation 2796771 (VCV002796771.5), dbSNP rs760215220, ClinGen allele CA3347402.